The following is an entry in ClinVar:

NM_002101.5(GYPC):c.181G>A (p.Val61Ile)

Gene: GYPC (glycophorin C (Gerbich blood group); plus strand). Cytogenetic location: 2q14.3.
Variant type: single nucleotide variant.
Coding change: c.181G>A on transcript NM_002101.5 (MANE Select); coding-DNA position 181, G replaced by A.
Protein change: p.Val61Ile; replaces valine 61 with isoleucine.
Molecular consequence: missense variant.
Genome position (GRCh38, 1-based): chr2:126,693,938, G>A. VCF-style: chr2-126693938-G-A. GRCh37 (hg19) VCF-style: chr2-127451514-G-A.
Other names: p.Val61Ile; c.118G>A, p.Val40Ile (NM_001256584.2); c.124G>A, p.Val42Ile (NM_016815.4); short protein forms V40I, V42I, V61I.
Identifiers: ClinVar variation 4684589 (VCV004684589.1).

ClinVar aggregate classification (germline): Likely benign (1 of 4 stars; one submission).

gnomAD v4.1: 25,872 of 1,604,886 alleles (1.6%); highest among the groups gnomAD compares: Non-Finnish European, 1.6%; 403 homozygotes.

Submission:

Mayo Clinic Laboratories, Mayo Clinic
Classification: Likely benign. Last evaluated: 2024-12-24. Review status: criteria provided, single submitter. Criteria: ACMG Guidelines, 2015. Collection method: clinical testing. Allele origin: germline. Observed: 47 variant alleles.
Comment: BS1, BP4_strong, BP7